The following is an entry in ClinVar:

ClinVar aggregate classification (germline): Uncertain significance (1 of 4 stars; one submission).

Submission:

Labcorp Genetics (formerly Invitae), Labcorp
Classification: Uncertain significance. Last evaluated: 2023-01-19. Review status: criteria provided, single submitter. Criteria: Invitae Variant Classification Sherloc (09022015). Collection method: clinical testing. Allele origin: germline.
Comment: This variant is not present in population databases (gnomAD no frequency). In summary, the available evidence is currently insufficient to determine the role of this variant in disease. Therefore, it has been classified as a Variant of Uncertain Significance. Algorithms developed to predict the effect of missense changes on protein structure and function output the following: SIFT: "Tolerated"; PolyPhen-2: "Benign"; Align-GVGD: "Class C0". The alanine amino acid residue is found in multiple mammalian species, which suggests that this missense change does not adversely affect protein function. This variant has not been reported in the literature in individuals affected with ALPK3-related conditions. This sequence change replaces valine, which is neutral and non-polar, with alanine, which is neutral and non-polar, at codon 641 of the ALPK3 protein (p.Val641Ala).

NM_020778.5(ALPK3):c.1316T>C (p.Val439Ala)

Gene: ALPK3 (alpha kinase 3; plus strand). Cytogenetic location: 15q25.3.
Variant type: single nucleotide variant.
Coding change: c.1316T>C on transcript NM_020778.5 (MANE Select); coding-DNA position 1316, T replaced by C.
Protein change: p.Val439Ala; replaces valine 439 with alanine.
Molecular consequence: missense variant.
Genome position (GRCh38, 1-based): chr15:84,840,595, T>C. VCF-style: chr15-84840595-T-C. GRCh37 (hg19) VCF-style: chr15-85383826-T-C.
Other names: short protein forms V439A.
Identifiers: ClinVar variation 2830126 (VCV002830126.3), dbSNP rs2505706426, ClinGen allele CA393375375.